The following is an entry in ClinVar:

NM_003773.5(HYAL2):c.1359G>A (p.Trp453Ter)

Gene: HYAL2 (hyaluronidase 2; minus strand). Cytogenetic location: 3p21.31.
Variant type: single nucleotide variant.
Coding change: c.1359G>A on transcript NM_003773.5 (MANE Select); coding-DNA position 1359, G replaced by A.
Protein change: p.Trp453Ter; replaces tryptophan 453 with a stop codon.
Molecular consequence: nonsense.
Genome position (GRCh38, 1-based): chr3:50,318,192, C>T on the plus strand (G>A on the coding strand, the complement: HYAL2 is on the minus strand). VCF-style: chr3-50318192-C-T. GRCh37 (hg19) VCF-style: chr3-50355623-C-T.
Other names: c.1359G>A, p.Trp453Ter (NM_033158.5); short protein forms W453*.
Identifiers: ClinVar variation 4988354 (VCV004988354.1).

ClinVar aggregate classification (germline): Uncertain significance (1 of 4 stars; one submission).

Conditions:
HYAL2-related disorder. Also called: HYAL2-related condition.

gnomAD v4.1: 4 of 1,611,828 alleles (0.00025%); highest among the groups gnomAD compares: Admixed American, 0.0067%; no homozygotes.

Submission:

PreventionGenetics, part of Exact Sciences
Classification: Uncertain significance for HYAL2-related condition. Last evaluated: 2026-08-24. Review status: criteria provided, single submitter. Criteria: ACMG Guidelines, 2015. Collection method: clinical testing. Allele origin: germline.
Comment: The HYAL2 c.1359G>A variant is predicted to result in premature protein termination (p.Trp453*). To our knowledge, this variant has not been reported in the literature. This variant is reported in 0.0087% of alleles in individuals of Latino descent in gnomAD. At this time, the clinical significance of this variant is uncertain due to the absence of conclusive functional and genetic evidence.